The following is an entry in ClinVar:

NM_016390.4(SPOUT1):c.1089C>G (p.Ala363=)

Genes: KYAT1-SPOUT1 (KYAT1-SPOUT1 readthrough; minus strand), SPOUT1 (SPOUT domain containing methyltransferase 1; minus strand). Cytogenetic location: 9q34.11.
Variant type: single nucleotide variant.
Coding change: c.1089C>G on transcript NM_016390.4 (MANE Select); coding-DNA position 1089, C replaced by G.
Protein change: p.Ala363=; no amino-acid change (alanine 363 retained).
Molecular consequence: synonymous variant. On other transcripts: non-coding transcript variant (2).
Genome position (GRCh38, 1-based): chr9:128,822,807, G>C on the plus strand (C>G on the coding strand, the complement: SPOUT1 is on the minus strand). VCF-style: chr9-128822807-G-C. GRCh37 (hg19) VCF-style: chr9-131585086-G-C.
Other names: c.2436C>G, p.Ala812= (NM_001414398.1).
Identifiers: ClinVar variation 3041881 (VCV003041881.2), dbSNP rs35677895, ClinGen allele CA5269634.

ClinVar aggregate classification (germline): Benign (0 of 4 stars; one submission).

Conditions:
SPOUT1-related disorder. Also called: SPOUT1-related condition.

Allele frequency attached by ClinVar (database versions not stated): 1000 Genomes Project 0.00499; 1000 Genomes Project 30x 0.00531; TOPMed 0.01289; ESP Exome Variant Server 0.01312; gnomAD 0.01381; gnomAD exomes 0.01842; ExAC 0.01969.
gnomAD v4.1: 28,410 of 1,591,632 alleles (1.8%); highest among the groups gnomAD compares: Non-Finnish European, 2.1%; 313 homozygotes.

Submission:

PreventionGenetics, part of Exact Sciences
Classification: Benign for SPOUT1-related condition. Last evaluated: 2019-06-11. Review status: no assertion criteria provided. Collection method: clinical testing. Allele origin: germline.
Comment: This variant is classified as benign based on ACMG/AMP sequence variant interpretation guidelines (Richards et al. 2015 PMID: 25741868, with internal and published modifications).